The following is an entry in ClinVar:

NM_001042492.3(NF1):c.4865T>G (p.Leu1622Trp)

Gene: NF1 (neurofibromin 1; plus strand). Cytogenetic location: 17q11.2.
Variant type: single nucleotide variant.
Coding change: c.4865T>G on transcript NM_001042492.3 (MANE Select); coding-DNA position 4865, T replaced by G.
Protein change: p.Leu1622Trp; replaces leucine 1622 with tryptophan.
Molecular consequence: missense variant.
Genome position (GRCh38, 1-based): chr17:31,325,849, T>G. VCF-style: chr17-31325849-T-G. GRCh37 (hg19) VCF-style: chr17-29652867-T-G.
Other names: c.4802T>G, p.Leu1601Trp (NM_000267.4); short protein forms L1601W, L1622W.
Identifiers: ClinVar variation 1993525 (VCV001993525.5), dbSNP rs2151537574, ClinGen allele CA399006987.

ClinVar aggregate classification (germline): Uncertain significance. Review status: criteria provided, multiple submitters, no conflicts (2 of 4 stars). 2 submissions from 2 submitters: Uncertain significance (2). Last evaluated 2025-07-28.

Conditions:
Neurofibromatosis, type 1 (NF1). Also called: VON RECKLINGHAUSEN DISEASE; Peripheral type neurofibromatosis; Neurofibromatosis, type I; NEUROFIBROMATOSIS, TYPE I, SOMATIC. Identifiers: Orphanet 636, MedGen C0027831, MONDO:0018975, OMIM 162200. Disease mechanism: loss of function.
Cardiovascular phenotype. Identifiers: MedGen CN230736.
Hereditary cancer-predisposing syndrome. Also called: Hereditary Cancer Syndrome; Neoplastic Syndromes, Hereditary; Hereditary neoplastic syndrome; Tumor predisposition. Identifiers: Orphanet 140162, MedGen C0027672, MeSH D009386, MONDO:0015356.

Submissions (2):

Ambry Genetics
Classification: Uncertain significance for Cardiovascular phenotype; Hereditary cancer-predisposing syndrome. Last evaluated: 2025-07-28. Review status: criteria provided, single submitter. Criteria: Ambry Variant Classification Scheme 2023. Collection method: clinical testing. Allele origin: germline.
Comment: The p.L1601W variant (also known as c.4802T>G), located in coding exon 36 of the NF1 gene, results from a T to G substitution at nucleotide position 4802. The leucine at codon 1601 is replaced by tryptophan, an amino acid with similar properties. This amino acid position is conserved. In addition, this alteration is predicted to be deleterious by in silico analysis. Based on the available evidence, the clinical significance of this variant remains unclear.

Labcorp Genetics (formerly Invitae), Labcorp
Classification: Uncertain significance for Neurofibromatosis, type 1. Last evaluated: 2022-05-12. Review status: criteria provided, single submitter. Criteria: Invitae Variant Classification Sherloc (09022015). Collection method: clinical testing. Allele origin: germline.
Comment: In summary, the available evidence is currently insufficient to determine the role of this variant in disease. Therefore, it has been classified as a Variant of Uncertain Significance. Advanced modeling of protein sequence and biophysical properties (such as structural, functional, and spatial information, amino acid conservation, physicochemical variation, residue mobility, and thermodynamic stability) performed at Invitae indicates that this missense variant is expected to disrupt NF1 protein function. This variant has not been reported in the literature in individuals affected with NF1-related conditions. This variant is not present in population databases (gnomAD no frequency). This sequence change replaces leucine, which is neutral and non-polar, with tryptophan, which is neutral and slightly polar, at codon 1601 of the NF1 protein (p.Leu1601Trp).